The following is an entry in ClinVar:

ClinVar aggregate classification (germline): Conflicting classifications of pathogenicity. Review status: criteria provided, conflicting classifications (1 of 4 stars). 2 submissions from 2 submitters: Likely pathogenic (1); Uncertain significance (1). Last evaluated 2023-12-06.

Conditions:
Generalized epilepsy with febrile seizures plus, type 2 (GEFSP2). Also called: GEFS+, TYPE 2. Identifiers: Orphanet 36387, MedGen C1858673, MONDO:0011461, OMIM 604403.
Migraine, familial hemiplegic, 3. Identifiers: Orphanet 569, MedGen C1864987, MONDO:0012320, OMIM 609634.
Developmental and epileptic encephalopathy 6B. Also called: Developmental and epileptic encephalopathy 6B, non-Dravet. Identifiers: MedGen C5543353, MONDO:0030268, OMIM 619317.
Severe myoclonic epilepsy in infancy (DRVT). Also called: SEVERE MYOCLONIC EPILEPSY OF INFANCY; DEVELOPMENTAL AND EPILEPTIC ENCEPHALOPATHY 6A; Severe Myoclonic Epilepsy in Infancy (SMEI); Dravet syndrome; Epileptic encephalopathy, early infantile, 6 (Dravet syndrome). Identifiers: Orphanet 33069, MedGen C0751122, MONDO:0100135, OMIM 607208.
Early-infantile DEE. Also called: Early infantile epileptic encephalopathy; Early infantile epileptic encephalopathy with suppression bursts; Ohtahara syndrome. Identifiers: Orphanet 1934, MedGen C0393706, MONDO:0800491.

Submissions (2):

Labcorp Genetics (formerly Invitae), Labcorp
Classification: Likely pathogenic for Early-infantile DEE. Last evaluated: 2023-12-06. Review status: criteria provided, single submitter. Criteria: Invitae Variant Classification Sherloc (09022015). Collection method: clinical testing. Allele origin: germline.
Comment: This sequence change replaces leucine, which is neutral and non-polar, with proline, which is neutral and non-polar, at codon 1309 of the SCN1A protein (p.Leu1309Pro). This variant is not present in population databases (gnomAD no frequency). This variant has not been reported in the literature in individuals affected with SCN1A-related conditions. ClinVar contains an entry for this variant (Variation ID: 2002938). Advanced modeling of protein sequence and biophysical properties (such as structural, functional, and spatial information, amino acid conservation, physicochemical variation, residue mobility, and thermodynamic stability) performed at Invitae indicates that this missense variant is expected to disrupt SCN1A protein function with a positive predictive value of 95%. This variant disrupts the p.Leu1309 amino acid residue in SCN1A. Other variant(s) that disrupt this residue have been determined to be pathogenic (PMID: 20117752; Invitae). This suggests that this residue is clinically significant, and that variants that disrupt this residue are likely to be disease-causing. In summary, the currently available evidence indicates that the variant is pathogenic, but additional data are needed to prove that conclusively. Therefore, this variant has been classified as Likely Pathogenic.

Juno Genomics, Hangzhou Juno Genomics, Inc
Classification: Uncertain significance for Developmental and epileptic encephalopathy 6B; Severe myoclonic epilepsy in infancy; Generalized epilepsy with febrile seizures plus, type 2; Migraine, familial hemiplegic, 3. Review status: criteria provided, single submitter. Criteria: ACMG Guidelines, 2015. Collection method: clinical testing. Allele origin: germline.
Comment: Absent from controls (or at extremely low frequency if recessive) in Genome Aggregation Database.;Observed in a healthy adult individual for a recessive/dominant/X-linked disorder with full penetrance.;Multiple lines of computational evidence support a deleterious effect on the gene or gene product.;Missense variant in a gene that has a low rate of benign missense variation.

Literature cited by the submitters: PubMed 20117752 (cited by Labcorp Genetics (formerly Invitae), Labcorp).

NM_001165963.4(SCN1A):c.3926T>C (p.Leu1309Pro)

Genes: SCN1A (sodium voltage-gated channel alpha subunit 1; minus strand), LOC102724058 (uncharacterized LOC102724058; plus strand). Cytogenetic location: 2q24.3.
Variant type: single nucleotide variant.
Coding change: c.3926T>C on transcript NM_001165963.4 (MANE Select); coding-DNA position 3926, T replaced by C.
Protein change: p.Leu1309Pro; replaces leucine 1309 with proline.
Molecular consequence: missense variant. On other transcripts: non-coding transcript variant (1).
Genome position (GRCh38, 1-based): chr2:166,009,795, A>G on the plus strand (T>C on the coding strand, the complement: SCN1A is on the minus strand). VCF-style: chr2-166009795-A-G. GRCh37 (hg19) VCF-style: chr2-166866305-A-G.
Other names: c.3890T>C, p.Leu1297Pro (NM_001353955.2, NM_001353954.2); c.3842T>C, p.Leu1281Pro (NM_001353957.2, NM_001353958.2, NM_001165964.3); c.3839T>C, p.Leu1280Pro (NM_001353960.2); c.1484T>C, p.Leu495Pro (NM_001353961.2); c.3893T>C, p.Leu1298Pro (NM_006920.6, NM_001353949.2, NM_001353950.2 and 2 more transcripts); c.3926T>C, p.Leu1309Pro (NM_001202435.3, NM_001353948.2); short protein forms L1309P, L1281P, L1298P, L495P, L1280P, L1297P.
Identifiers: ClinVar variation 2002938 (VCV002002938.6), dbSNP rs1553529527, ClinGen allele CA349053255.